The following is an entry in ClinVar:

ClinVar aggregate classification (germline): Uncertain significance. Review status: criteria provided, multiple submitters, no conflicts (2 of 4 stars). 2 submissions from 2 submitters: Uncertain significance (2). Last evaluated 2025-08-09.

Conditions:
Inborn genetic diseases. Identifiers: MedGen C0950123, MeSH D030342.

Allele frequency attached by ClinVar (database versions not stated): gnomAD exomes 0.00001 and 0.00002; ExAC 0.00004; ESP Exome Variant Server 0.00008; gnomAD 0.00009; TOPMed 0.00011.
gnomAD v4.1: 27 of 1,567,220 alleles (0.0017%); highest among the groups gnomAD compares: African/African-American, 0.018%; no homozygotes.

Submissions (2):

Ambry Genetics
Classification: Uncertain significance for Inborn genetic diseases. Last evaluated: 2025-08-09. Review status: criteria provided, single submitter. Criteria: Ambry Variant Classification Scheme 2023. Collection method: clinical testing. Allele origin: germline.

Labcorp Genetics (formerly Invitae), Labcorp
Classification: Uncertain significance. Last evaluated: 2022-07-19. Review status: criteria provided, single submitter. Criteria: Invitae Variant Classification Sherloc (09022015). Collection method: clinical testing. Allele origin: germline.
Comment: This sequence change replaces glycine, which is neutral and non-polar, with arginine, which is basic and polar, at codon 577 of the COL13A1 protein (p.Gly577Arg). The frequency data for this variant in the population databases is considered unreliable, as metrics indicate poor data quality at this position in the gnomAD database. This variant has not been reported in the literature in individuals affected with COL13A1-related conditions. ClinVar contains an entry for this variant (Variation ID: 1395144). Algorithms developed to predict the effect of missense changes on protein structure and function are either unavailable or do not agree on the potential impact of this missense change (SIFT: "Deleterious"; PolyPhen-2: "Probably Damaging"; Align-GVGD: "Class C15"). In summary, the available evidence is currently insufficient to determine the role of this variant in disease. Therefore, it has been classified as a Variant of Uncertain Significance.

NM_001368882.1(COL13A1):c.1762G>A (p.Gly588Arg)

Gene: COL13A1 (collagen type XIII alpha 1 chain; plus strand). Cytogenetic location: 10q22.1.
Variant type: single nucleotide variant.
Coding change: c.1762G>A on transcript NM_001368882.1 (MANE Select); coding-DNA position 1762, G replaced by A.
Protein change: p.Gly588Arg; replaces glycine 588 with arginine.
Molecular consequence: missense variant. On other transcripts: intron variant (6).
Genome position (GRCh38, 1-based): chr10:69,935,383, G>A. VCF-style: chr10-69935383-G-A. GRCh37 (hg19) VCF-style: chr10-71695139-G-A.
Other names: c.1531G>A, p.Gly511Arg (NM_080805.4); c.1621-1373G>A (NM_001368884.1); c.1648-1373G>A (NM_001368883.1); c.1585-1373G>A (NM_001368885.1); c.1507-1373G>A (NM_001368897.1); c.1594-1373G>A (NM_001368895.1); c.1480-1373G>A (NM_001368896.1); c.1729G>A (NM_001130103.1); and 8 more; short protein forms G352R, G511R, G558R, G577R, G552R, G540R, G588R, G505R.
Identifiers: ClinVar variation 1395144 (VCV001395144.5), dbSNP rs368950603, ClinGen allele CA5534907.